The following is an entry in ClinVar:

ClinVar aggregate classification (germline): Uncertain significance (1 of 4 stars; one submission).

Conditions:
Noonan syndrome 9 (NS9). Identifiers: Orphanet 648, MedGen C4225282, MONDO:0014691, OMIM 616559.

Submission:

Labcorp Genetics (formerly Invitae), Labcorp
Classification: Uncertain significance for Noonan syndrome 9. Last evaluated: 2025-06-02. Review status: criteria provided, single submitter. Criteria: Invitae Variant Classification Sherloc (09022015). Collection method: clinical testing. Allele origin: germline.
Comment: This variant, c.40_42del, results in the deletion of 1 amino acid(s) of the SOS2 protein (p.Glu14del), but otherwise preserves the integrity of the reading frame. This variant is present in population databases (rs769421216, gnomAD 0.009%). This variant has not been reported in the literature in individuals affected with SOS2-related conditions. Experimental studies and prediction algorithms are not available or were not evaluated, and the functional significance of this variant is currently unknown. In summary, the available evidence is currently insufficient to determine the role of this variant in disease. Therefore, it has been classified as a Variant of Uncertain Significance.

NM_006939.4(SOS2):c.37GAG[1] (p.Glu14del)

Genes: SOS2 (SOS Ras/Rho guanine nucleotide exchange factor 2; minus strand), LOC130055588 (ATAC-STARR-seq lymphoblastoid silent region 5718; plus strand). Cytogenetic location: 14q21.3.
Variant type: Microsatellite.
Coding change: c.37GAG[1] on transcript NM_006939.4 (MANE Select); one copy of the 3-base unit GAG starting at c.37; the reference has two copies in a row; one copy, 3 bases deleted.
Protein change: p.Glu14del; deletes glutamic acid 14.
Genome position (GRCh38, 1-based): chr14:50,231,242-50,231,244, CTC deleted on the plus strand (GAG on the coding strand, the reverse complement: SOS2 is on the minus strand); deleting any 3 consecutive bases within chr14:50,231,242-50,231,247 gives the same sequence; the position shown is the placement nearest the transcript's 3' end. VCF-style (leftmost placement, unchanged base first): chr14-50231241-TCTC-T. GRCh37 (hg19) VCF-style: chr14-50697959-TCTC-T.
Other names: c.37GAG[1], p.Glu14del (NM_001411020.1); short protein forms E14del.
Identifiers: ClinVar variation 3705584 (VCV003705584.2).